The following is an entry in ClinVar:

NM_001191061.2(SLC25A22):c.21-3C>T

Gene: SLC25A22 (solute carrier family 25 member 22; minus strand). Cytogenetic location: 11p15.5.
Variant type: single nucleotide variant.
Coding change: c.21-3C>T on transcript NM_001191061.2 (MANE Select); 3 bases into the intron before coding-DNA position 21, C replaced by T.
Molecular consequence: intron variant.
Genome position (GRCh38, 1-based): chr11:794,904, G>A on the plus strand (C>T on the coding strand, the complement: SLC25A22 is on the minus strand). VCF-style: chr11-794904-G-A. GRCh37 (hg19) VCF-style: chr11-794904-G-A.
Other names: c.21-3C>T (NM_001191060.2, NM_024698.6).
Identifiers: ClinVar variation 196516 (VCV000196516.7), dbSNP rs794727518, ClinGen allele CA243490.

ClinVar aggregate classification (germline): Uncertain significance. Review status: criteria provided, multiple submitters, no conflicts (2 of 4 stars). 2 submissions from 2 submitters: Uncertain significance (2). Last evaluated 2022-03-19.

Conditions:
Developmental and epileptic encephalopathy. Identifiers: MedGen C5779964, MONDO:0100620.

Submissions (2):

Labcorp Genetics (formerly Invitae), Labcorp
Classification: Uncertain significance for Early-infantile DEE. Last evaluated: 2022-03-19. Review status: criteria provided, single submitter. Criteria: Invitae Variant Classification Sherloc (09022015). Collection method: clinical testing. Allele origin: germline.
Comment: In summary, the available evidence is currently insufficient to determine the role of this variant in disease. Therefore, it has been classified as a Variant of Uncertain Significance. Variants that disrupt the consensus splice site are a relatively common cause of aberrant splicing (PMID: 17576681, 9536098). Algorithms developed to predict the effect of sequence changes on RNA splicing suggest that this variant is not likely to affect RNA splicing. ClinVar contains an entry for this variant (Variation ID: 196516). This variant has not been reported in the literature in individuals affected with SLC25A22-related conditions. This variant is not present in population databases (gnomAD no frequency). This sequence change falls in intron 2 of the SLC25A22 gene. It does not directly change the encoded amino acid sequence of the SLC25A22 protein. It affects a nucleotide within the consensus splice site.

Eurofins Ntd Llc (ga)
Classification: Uncertain significance. Last evaluated: 2015-05-05. Review status: criteria provided, single submitter. Criteria: EGL Classification Definitions 2015. Collection method: clinical testing. Allele origin: germline. Observed: 1 variant allele, 1 heterozygote.

Literature cited by the submitters: PubMed 17576681 (cited by Labcorp Genetics (formerly Invitae), Labcorp); PubMed 9536098 (cited by Labcorp Genetics (formerly Invitae), Labcorp).